The following is an entry in ClinVar:

ClinVar aggregate classification (germline): Likely pathogenic (1 of 4 stars; one submission).

Conditions:
Rhizomelic chondrodysplasia punctata (RCDP). Identifiers: Orphanet 177, MedGen C0282529, MONDO:0015776. Disease mechanism: loss of function.

Submission:

Natera, Inc.
Classification: Likely pathogenic for Rhizomelic Chondrodysplasia Punctata. Last evaluated: 2024-06-18. Review status: criteria provided, single submitter. Criteria: Natera Variant Classification Schema (03/2026). Collection method: clinical testing. Allele origin: germline.
Comment: The c.53_63del variant in PEX7 is a frameshift variant predicted to shift the reading frame beginning at codon 18 and leads to a stop codon 34 codons downstream. This variant is expected to result in nonsense mediated decay, truncation, or a dysfunctional protein product. This variant is rare in the general population with a frequency below the threshold expected for the associated phenotype(s). Given the available evidence, this variant is classified as Likely Pathogenic.

NM_000288.4(PEX7):c.53_63del (p.His18fs)

Gene: PEX7 (peroxisomal biogenesis factor 7; plus strand). Cytogenetic location: 6q23.3.
Variant type: Deletion.
Coding change: c.53_63del on transcript NM_000288.4 (MANE Select); coding-DNA positions 53 to 63, 11 bases deleted (ACGGCTACGCC).
Protein change: p.His18fs; shifts the reading frame from histidine 18.
Molecular consequence: frameshift variant.
Genome position (GRCh38, 1-based): chr6:136,822,718-136,822,728, ACGGCTACGCC deleted; deleting any 11 consecutive bases within chr6:136,822,713-136,822,728 gives the same sequence; the c. name uses the placement nearest the transcript's 3' end. VCF-style (leftmost placement, unchanged base first): chr6-136822712-GACGCCACGGCT-G. GRCh37 (hg19) VCF-style: chr6-137143850-GACGCCACGGCT-G.
Other names: short protein forms H18fs.
Identifiers: ClinVar variation 4818129 (VCV004818129.1).
Genomic context (GRCh38, chr6:136,822,712, plus strand): 5'-GGGCGGCGGGCGGGATGAGTGCGGTGTGCGGTGGAGCGGCGCGGATGCTGCGGACGCCGG[GACGCCACGGCT>G]ACGCCGCCGAGTTCTCCCCGTACCTGCCGGGCCGCCTGGCCTGCGCCACCGCGCAGCACT-3'